The following is an entry in ClinVar:

NM_001197104.2(KMT2A):c.175G>C (p.Ala59Pro)

Gene: KMT2A (lysine methyltransferase 2A; plus strand). Cytogenetic location: 11q23.3.
Variant type: single nucleotide variant.
Coding change: c.175G>C on transcript NM_001197104.2 (MANE Select); coding-DNA position 175, G replaced by C.
Protein change: p.Ala59Pro; replaces alanine 59 with proline.
Molecular consequence: missense variant.
Genome position (GRCh38, 1-based): chr11:118,436,687, G>C. VCF-style: chr11-118436687-G-C. GRCh37 (hg19) VCF-style: chr11-118307402-G-C.
Other names: c.175G>C, p.Ala59Pro (NM_001412597.1, NM_005933.4); short protein forms A59P.
Identifiers: ClinVar variation 4800512 (VCV004800512.1).

ClinVar aggregate classification (germline): Uncertain significance (1 of 4 stars; one submission).

Submission:

Labcorp Genetics (formerly Invitae), Labcorp
Classification: Uncertain significance. Last evaluated: 2025-10-23. Review status: criteria provided, single submitter. Criteria: Invitae Variant Classification Sherloc (09022015). Collection method: clinical testing. Allele origin: germline.
Comment: This sequence change replaces alanine, which is neutral and non-polar, with proline, which is neutral and non-polar, at codon 59 of the KMT2A protein (p.Ala59Pro). This variant is not present in population databases (gnomAD no frequency). This variant has not been reported in the literature in individuals affected with KMT2A-related conditions. Invitae Evidence Modeling of protein sequence and biophysical properties (such as structural, functional, and spatial information, amino acid conservation, physicochemical variation, residue mobility, and thermodynamic stability) indicates that this missense variant is not expected to disrupt KMT2A protein function with a negative predictive value of 95%. In summary, the available evidence is currently insufficient to determine the role of this variant in disease. Therefore, it has been classified as a Variant of Uncertain Significance.